The following is an entry in ClinVar:

ClinVar aggregate classification (germline): Uncertain significance (1 of 4 stars; one submission).

Submission:

Labcorp Genetics (formerly Invitae), Labcorp
Classification: Uncertain significance. Last evaluated: 2025-11-03. Review status: criteria provided, single submitter. Criteria: Invitae Variant Classification Sherloc (09022015). Collection method: clinical testing. Allele origin: germline.
Comment: This sequence change replaces glycine, which is neutral and non-polar, with aspartic acid, which is acidic and polar, at codon 57 of the GHSR protein (p.Gly57Asp). Information on the frequency of this variant in the gnomAD database is not available, as this variant may be reported differently in the database. This variant has not been reported in the literature in individuals affected with GHSR-related conditions. An algorithm developed to predict the effect of missense changes on protein structure and function (PolyPhen-2) suggests that this variant is likely to be disruptive. In summary, the available evidence is currently insufficient to determine the role of this variant in disease. Therefore, it has been classified as a Variant of Uncertain Significance.

NM_198407.2(GHSR):c.170_171delinsAT (p.Gly57Asp)

Gene: GHSR (growth hormone secretagogue receptor; minus strand). Cytogenetic location: 3q26.31.
Variant type: Indel.
Coding change: c.170_171delinsAT on transcript NM_198407.2 (MANE Select); coding-DNA positions 170 to 171, GC replaced by AT.
Protein change: p.Gly57Asp; replaces glycine 57 with aspartic acid.
Molecular consequence: missense variant.
Genome position (GRCh38, 1-based): chr3:172,448,243-172,448,244, GC replaced by AT on the plus strand (GC replaced by AT on the coding strand, the reverse complement: GHSR is on the minus strand). VCF-style: chr3-172448243-GC-AT. GRCh37 (hg19) VCF-style: chr3-172166033-GC-AT.
Other names: c.170_171delinsAT, p.Gly57Asp (NM_004122.2); short protein forms G57D.
Identifiers: ClinVar variation 4771719 (VCV004771719.1).
Genomic context (GRCh38, chr3:172,448,243, plus strand): 5'-GGTGGTGCGCAGCTCGCGGAAGCGCGACACCACCAGCATGGTGAGCAGGTTGCCAGCGAT[GC>AT]CCACCACGAAGAGTGCCACGCAGGTGGCTGTGACGCCCGCCAGCAGCGGCGCGGGGAAGA-3'
Protein context (NP_940799.1, residues 47-67): TATCVALFVV[Gly57Asp]IAGNLLTMLV